The following is an entry in ClinVar:

NM_000286.3(PEX12):c.906T>C (p.Thr302=)

Gene: PEX12 (peroxisomal biogenesis factor 12; minus strand). Cytogenetic location: 17q12.
Variant type: single nucleotide variant.
Coding change: c.906T>C on transcript NM_000286.3 (MANE Select); coding-DNA position 906, T replaced by C.
Protein change: p.Thr302=; no amino-acid change (threonine 302 retained).
Molecular consequence: synonymous variant.
Genome position (GRCh38, 1-based): chr17:35,575,956, A>G on the plus strand (T>C on the coding strand, the complement: PEX12 is on the minus strand). VCF-style: chr17-35575956-A-G. GRCh37 (hg19) VCF-style: chr17-33902975-A-G.
Other names: c.906T>C (NM_000286.2).
Identifiers: ClinVar variation 1091478 (VCV001091478.10), dbSNP rs371277434, ClinGen allele CA290068183.

ClinVar aggregate classification (germline): Likely benign. Review status: criteria provided, multiple submitters, no conflicts (2 of 4 stars). 2 submissions from 2 submitters: Likely benign (2). Last evaluated 2025-08-01.

Conditions:
PEX12-related disorder. Also called: PEX12-related condition; PEX12-related disorders.
Peroxisome biogenesis disorder 3A (Zellweger). Also called: PEROXISOMAL BIOGENESIS DISORDER 3A (ZELLWEGER); Peroxisome biogenesis disorder 3A. Identifiers: Orphanet 912, MedGen C3553929, MONDO:0013927, OMIM 614859.

Allele frequency attached by ClinVar (database versions not stated): gnomAD exomes below 0.00001.

Submissions (2):

PreventionGenetics, part of Exact Sciences
Classification: Likely benign for PEX12-related condition. Last evaluated: 2025-08-01. Review status: criteria provided, single submitter. Criteria: ACMG Guidelines, 2015. Collection method: clinical testing. Allele origin: germline.
Comment: This variant is classified as likely benign based on ACMG/AMP sequence variant interpretation guidelines (Richards et al. 2015 PMID: 25741868, with internal and published modifications).

Labcorp Genetics (formerly Invitae), Labcorp
Classification: Likely benign for Peroxisome biogenesis disorder 3A (Zellweger). Last evaluated: 2025-04-18. Review status: criteria provided, single submitter. Criteria: Invitae Variant Classification Sherloc (09022015). Collection method: clinical testing. Allele origin: germline.